The following is an entry in ClinVar:

NM_000038.6(APC):c.2022G>T (p.Leu674Phe)

Gene: APC (APC regulator of Wnt signaling pathway; plus strand). Cytogenetic location: 5q22.2.
Variant type: single nucleotide variant.
Coding change: c.2022G>T on transcript NM_000038.6 (MANE Select); coding-DNA position 2022, G replaced by T.
Protein change: p.Leu674Phe; replaces leucine 674 with phenylalanine.
Molecular consequence: missense variant. On other transcripts: non-coding transcript variant (2).
Genome position (GRCh38, 1-based): chr5:112,837,616, G>T. VCF-style: chr5-112837616-G-T. GRCh37 (hg19) VCF-style: chr5-112173313-G-T.
Other names: c.2022G>T, p.Leu674Phe (NM_001127510.3, NM_001354895.2, NM_001407450.1); c.1968G>T, p.Leu656Phe (NM_001127511.3); c.2076G>T, p.Leu692Phe (NM_001354896.2, NM_001407447.1, NM_001407448.1 and 1 more transcripts); c.2052G>T, p.Leu684Phe (NM_001354897.2); c.1947G>T, p.Leu649Phe (NM_001354898.2); c.1938G>T, p.Leu646Phe (NM_001354899.2); c.1899G>T, p.Leu633Phe (NM_001354900.2); c.1845G>T, p.Leu615Phe (NM_001354901.2, NM_001407453.1); and 11 more; short protein forms L290F, L391F, L514F, L545F, L548F, L573F, L583F, L591F.
Identifiers: ClinVar variation 3894493 (VCV003894493.1).

ClinVar aggregate classification (germline): Uncertain significance (1 of 4 stars; one submission).

Conditions:
Hereditary cancer-predisposing syndrome. Also called: Neoplastic Syndromes, Hereditary; Tumor predisposition; Hereditary Cancer Syndrome; Hereditary neoplastic syndrome. Identifiers: Orphanet 140162, MedGen C0027672, MeSH D009386, MONDO:0015356.

Submission:

Color Diagnostics, LLC DBA Color Health
Classification: Uncertain significance for Hereditary cancer-predisposing syndrome. Last evaluated: 2024-02-18. Review status: criteria provided, single submitter. Criteria: ACMG Guidelines, 2015. Collection method: clinical testing. Allele origin: germline.
Comment: This missense variant replaces leucine with phenylalanine at codon 674 of the APC protein. Computational prediction suggests that this variant may not impact protein structure and function (internally defined REVEL score threshold <= 0.5, PMID: 27666373). To our knowledge, functional studies have not been reported for this variant. This variant has not been reported in individuals affected with APC-related disorders in the literature. This variant has not been identified in the general population by the Genome Aggregation Database (gnomAD). The available evidence is insufficient to determine the role of this variant in disease conclusively. Therefore, this variant is classified as a Variant of Uncertain Significance.